The following is an entry in ClinVar:

ClinVar aggregate classification (germline): Benign/Likely benign. Review status: criteria provided, multiple submitters, no conflicts (2 of 4 stars). 2 submissions from 2 submitters: Benign (1); Likely benign (1). Last evaluated 2025-08-01.

Conditions:
Wilms tumor 1 (WT1). Also called: Wilms tumor, somatic. Identifiers: Orphanet 654, MedGen CN033288, MONDO:0008679, OMIM 194070.

Allele frequency attached by ClinVar (database versions not stated): gnomAD exomes 0.00003 and 0.00007; TOPMed 0.00003; ExAC 0.00005; gnomAD 0.00006 and 0.00007; ESP Exome Variant Server 0.00028.
gnomAD v4.1: 83 of 1,202,209 alleles (0.0069%); highest among the groups gnomAD compares: Non-Finnish European, 0.0089%; no homozygotes.

Submissions (2):

CeGaT Center for Human Genetics Tuebingen
Classification: Likely benign. Last evaluated: 2025-08-01. Review status: criteria provided, single submitter. Criteria: CeGaT Center For Human Genetics Tuebingen Variant Classification Criteria Version 2. Collection method: clinical testing. Allele origin: germline. Affected: yes. Observed: 1 variant allele.
Comment: GPC3: BP4, BP7, BS2

Labcorp Genetics (formerly Invitae), Labcorp
Classification: Benign for Wilms tumor 1. Last evaluated: 2025-07-31. Review status: criteria provided, single submitter. Criteria: Invitae Variant Classification Sherloc (09022015). Collection method: clinical testing. Allele origin: germline.

NM_004484.4(GPC3):c.1149C>T (p.Thr383=)

Gene: GPC3 (glypican 3; minus strand). Cytogenetic location: Xq26.2.
Variant type: single nucleotide variant.
Coding change: c.1149C>T on transcript NM_004484.4 (MANE Select); coding-DNA position 1149, C replaced by T.
Protein change: p.Thr383=; no amino-acid change (threonine 383 retained).
Molecular consequence: synonymous variant.
Genome position (GRCh38, 1-based): chrX:133,699,912, G>A on the plus strand (C>T on the coding strand, the complement: GPC3 is on the minus strand). VCF-style: chrX-133699912-G-A. GRCh37 (hg19) VCF-style: chrX-132833940-G-A.
Other names: c.1218C>T, p.Thr406= (NM_001164617.2); c.1101C>T, p.Thr367= (NM_001164618.2); c.987C>T, p.Thr329= (NM_001164619.2).
Identifiers: ClinVar variation 701714 (VCV000701714.19), dbSNP rs147245792, ClinGen allele CA10520725.
Genomic context (GRCh38, chrX:133,699,912, plus strand): 5'-TTGTTAATTGTATTGTGGAATAAAGAAAAAAGAAACCTCTCACCTTCTTCGGCTGGATAA[G>A]GTTTCTTCATGTTCTACATGAGCAACTTTTAATACTTTCTTGTCAATAAAGAGATCTTCA-3'
Protein context (NP_004475.1, residues 373-393): LKVAHVEHEE[Thr383=]LSSRRRELIQ